The following is an entry in ClinVar:

ClinVar aggregate classification (germline): Pathogenic (1 of 4 stars; one submission).

Submission:

GeneDx
Classification: Pathogenic. Last evaluated: 2017-03-06. Review status: criteria provided, single submitter. Criteria: GeneDx Variant Classification (06012015). Collection method: clinical testing. Allele origin: germline. Affected: yes.
Comment: The c.2675_2678delAGACins12 pathogenic variant in the TCOF1 gene causes a frameshift starting with codon Lysine 892, changes this amino acid to a Serine residue and creates a premature Stop codon at position 61 of the new reading frame, denoted p.Lys892SerfsX61. This pathogenic variant is predicted to cause loss of normal protein function either through protein truncation or nonsense-mediated mRNA decay. Additionally, the c.2675_2678delAGAins12 variant is not observed in large population cohorts (Lek et al., 2016; 1000 Genomes Consortium et al., 2015; Exome Variant Server). Although this pathogenic variant has not been previously reported to our knowledge, its presence is consistent with the diagnosis of Treacher Collins syndrome (TCS).

NM_001371623.1(TCOF1):c.2675_2678delinsGCTGCCTTGGCT (p.Lys892fs)

Gene: TCOF1 (treacle ribosome biogenesis factor 1; plus strand). Cytogenetic location: 5q32.
Variant type: Indel.
Coding change: c.2675_2678delinsGCTGCCTTGGCT on transcript NM_001371623.1 (MANE Select); coding-DNA positions 2675 to 2678, AGAC replaced by GCTGCCTTGGCT.
Protein change: p.Lys892fs; shifts the reading frame from lysine 892.
Molecular consequence: frameshift variant.
Genome position (GRCh38, 1-based): chr5:150,379,548-150,379,551, AGAC replaced by GCTGCCTTGGCT. VCF-style: chr5-150379548-AGAC-GCTGCCTTGGCT. GRCh37 (hg19) VCF-style: chr5-149759111-AGAC-GCTGCCTTGGCT.
Other names: c.2444_2447delinsGCTGCCTTGGCT, p.Lys815fs (NM_000356.4, NM_001135245.2); c.2675_2678delinsGCTGCCTTGGCT, p.Lys892fs (NM_001008657.3, NM_001135243.2, NM_001135244.2 and 1 more transcripts); c.2675_2678delAGACinsGCTGCCTTGGCT (NM_001135243.1); short protein forms K815fs, K892fs.
Identifiers: ClinVar variation 424169 (VCV000424169.2), dbSNP rs1064796835, ClinGen allele CA16618141.